The following is an entry in ClinVar:

ClinVar aggregate classification (germline): Uncertain significance (1 of 4 stars; one submission).

Submission:

Labcorp Genetics (formerly Invitae), Labcorp
Classification: Uncertain significance. Last evaluated: 2026-01-18. Review status: criteria provided, single submitter. Criteria: Invitae Variant Classification Sherloc (09022015). Collection method: clinical testing. Allele origin: germline.
Comment: This sequence change replaces methionine, which is neutral and non-polar, with valine, which is neutral and non-polar, at codon 140 of the GINS1 protein (p.Met140Val). This variant is present in population databases (no rsID available, gnomAD 0.003%). This variant has not been reported in the literature in individuals affected with GINS1-related conditions. An algorithm developed to predict the effect of missense changes on protein structure and function outputs the following: PolyPhen-2: "Benign". The valine amino acid residue is found in multiple mammalian species, which suggests that this missense change does not adversely affect protein function. In summary, the available evidence is currently insufficient to determine the role of this variant in disease. Therefore, it has been classified as a Variant of Uncertain Significance.

NM_021067.5(GINS1):c.418A>G (p.Met140Val)

Gene: GINS1 (GINS complex subunit 1; plus strand). Cytogenetic location: 20p11.21.
Variant type: single nucleotide variant.
Coding change: c.418A>G on transcript NM_021067.5 (MANE Select); coding-DNA position 418, A replaced by G.
Protein change: p.Met140Val; replaces methionine 140 with valine.
Molecular consequence: missense variant. On other transcripts: non-coding transcript variant (1), intron variant (1).
Genome position (GRCh38, 1-based): chr20:25,425,298, A>G. VCF-style: chr20-25425298-A-G. GRCh37 (hg19) VCF-style: chr20-25405934-A-G.
Other names: c.163A>G, p.Met55Val (NM_001410831.1); c.330+7103A>G (NM_001410830.1); short protein forms M140V, M55V.
Identifiers: ClinVar variation 4764520 (VCV004764520.1).